The following is an entry in ClinVar:

ClinVar aggregate classification (germline): Pathogenic (1 of 4 stars; one submission).

Submission:

Medical Genetic Center, Changzhi Maternal and Child Health Care Hospital
Classification: Pathogenic. Last evaluated: 2025-12-10. Review status: criteria provided, single submitter. Criteria: ACMG/ClinGen CNV Guidelines, 2019. Collection method: clinical testing. Allele origin: unknown.
Comment: AZFc region

GRCh38/hg38 Yq11.222-12(chrY:18457002-26653507)x0

Genes: BPY2 (basic charge Y-linked 2; plus strand), BPY2B (basic charge Y-linked 2B; plus strand), BPY2C (basic charge Y-linked 2C; minus strand), CDY1 (chromodomain Y-linked 1; plus strand), CDY1B (chromodomain Y-linked 1B; minus strand) and 47 more. Cytogenetic location: Yq11.222-12.
Variant type: copy number loss.
Change: copy number 0 of chrY:18,457,002-26,653,507 (8.20 Mb, GRCh38 coordinates, 1-based), cytogenetic band Yq11.222-12.
Identifiers: ClinVar variation 4796071 (VCV004796071.1).